The following is an entry in ClinVar:

ClinVar aggregate classification (germline): Uncertain significance. Review status: criteria provided, multiple submitters, no conflicts (2 of 4 stars). 4 submissions from 4 submitters: Uncertain significance (4). Last evaluated 2024-06-09.

Conditions:
Congenital multicore myopathy with external ophthalmoplegia (CMYO1B). Also called: Congenital myopathy 1B, autosomal recessive; Minicore myopathy; MULTICORE MYOPATHY; Minicore myopathy with external ophthalmoplegia; MULTIMINICORE DISEASE WITH EXTERNAL OPHTHALMOPLEGIA. Identifiers: Orphanet 598, Orphanet 98905, MedGen C1850674, MONDO:0009712, OMIM 255320, HP:0003789.
Central core myopathy (CMYO1A). Also called: CONGENITAL MYOPATHY 1A, AUTOSOMAL DOMINANT, WITH SUSCEPTIBILITY TO MALIGNANT HYPERTHERMIA; Central core disease; Myopathy, central fibrillar. Identifiers: Orphanet 597, MedGen C5830701, MONDO:0007294, OMIM 117000.
Malignant hyperthermia, susceptibility to, 1 (MHS1). Also called: RYR1-Related Malignant Hyperthermia Susceptibility; Malignant hyperthermia suceptibility 1; Anesthesia related hyperthermia; Malignant hyperpyrexia; Fulminating hyperpyrexia; Pharmacogenic myopathy. Identifiers: Orphanet 423, MedGen C2930980, MONDO:0007783, OMIM 145600.
King Denborough syndrome (KDS). Identifiers: MedGen C1840365, MONDO:0020485, OMIM 619542.
Congenital myopathy with fiber type disproportion. Also called: Congenital fiber-type disproportion myopathy; Congenital fiber-type disproportion. Identifiers: Orphanet 2020, MedGen C0546264, MONDO:0009711. Inheritance: all.
RYR1-related disorder. Also called: RYR1-related condition; RYR1-related disorders. Identifiers: MedGen CN239331.

Allele frequency attached by ClinVar (database versions not stated): TOPMed 0.00001.
gnomAD v4.1: 2 of 1,614,118 alleles (0.00012%); highest among the groups gnomAD compares: Non-Finnish European, 0.00017%; no homozygotes.

Submissions (4):

All of Us Research Program, National Institutes of Health
Classification: Uncertain significance for Malignant hyperthermia, susceptibility to, 1. Last evaluated: 2024-06-09. Review status: criteria provided, single submitter. Criteria: ACMG Guidelines, 2015. Collection method: clinical testing. Allele origin: germline. Inheritance: Autosomal dominant inheritance. Observed: 1 variant allele, 1 heterozygote.
Comment: This missense variant replaces proline with serine at codon 4527 of the RYR1 protein. Computational prediction suggests that this variant may not impact protein structure and function (internally defined REVEL score threshold <= 0.5, PMID: 27666373). To our knowledge, functional studies have not been reported for this variant. This variant has not been reported in individuals affected with RYR1-related disorders in the literature. This variant has not been identified in the general population by the Genome Aggregation Database (gnomAD). The available evidence is insufficient to determine the role of this variant in disease conclusively. Therefore, this variant is classified as a Variant of Uncertain Significance.

This study involves interpretation of variants in research participants for the purpose of population health screening. Participant phenotype was not available at the time of variant classification. Additional details can be found in publication PMID: 35346344, PMCID: PMC8962531

Color Diagnostics, LLC DBA Color Health
Classification: Uncertain significance for Malignant hyperthermia, susceptibility to, 1. Last evaluated: 2024-05-28. Review status: criteria provided, single submitter. Criteria: ACMG Guidelines, 2015. Collection method: clinical testing. Allele origin: germline.
Comment: This missense variant replaces proline with serine at codon 4527 of the RYR1 protein. Computational prediction suggests that this variant may not impact protein structure and function. To our knowledge, functional studies have not been reported for this variant. This variant has not been reported in individuals affected with RYR1-related disorders in the literature. This variant has not been identified in the general population by the Genome Aggregation Database (gnomAD). The available evidence is insufficient to determine the role of this variant in disease conclusively. Therefore, this variant is classified as a Variant of Uncertain Significance.

Labcorp Genetics (formerly Invitae), Labcorp
Classification: Uncertain significance for RYR1-related disorder. Last evaluated: 2022-07-15. Review status: criteria provided, single submitter. Criteria: Invitae Variant Classification Sherloc (09022015). Collection method: clinical testing. Allele origin: germline.
Comment: This sequence change replaces proline, which is neutral and non-polar, with serine, which is neutral and polar, at codon 4527 of the RYR1 protein (p.Pro4527Ser). This variant is not present in population databases (gnomAD no frequency). This variant has not been reported in the literature in individuals affected with RYR1-related conditions. ClinVar contains an entry for this variant (Variation ID: 1037107). Advanced modeling of protein sequence and biophysical properties (such as structural, functional, and spatial information, amino acid conservation, physicochemical variation, residue mobility, and thermodynamic stability) performed at Invitae indicates that this missense variant is not expected to disrupt RYR1 protein function. In summary, the available evidence is currently insufficient to determine the role of this variant in disease. Therefore, it has been classified as a Variant of Uncertain Significance.

Fulgent Genetics
Classification: Uncertain significance for Central core myopathy; Malignant hyperthermia, susceptibility to, 1; Congenital myopathy 4A, autosomal dominant; Congenital multicore myopathy with external ophthalmoplegia; King Denborough syndrome. Last evaluated: 2021-07-07. Review status: criteria provided, single submitter. Criteria: ACMG Guidelines, 2015. Collection method: clinical testing. Allele origin: unknown.

NM_000540.3(RYR1):c.13579C>T (p.Pro4527Ser)

Gene: RYR1 (ryanodine receptor 1; plus strand). Cytogenetic location: 19q13.2.
Variant type: single nucleotide variant.
Coding change: c.13579C>T on transcript NM_000540.3 (MANE Select); coding-DNA position 13579, C replaced by T.
Protein change: p.Pro4527Ser; replaces proline 4527 with serine.
Molecular consequence: missense variant.
Genome position (GRCh38, 1-based): chr19:38,567,837, C>T. VCF-style: chr19-38567837-C-T. GRCh37 (hg19) VCF-style: chr19-39058477-C-T.
Other names: c.13564C>T, p.Pro4522Ser (NM_001042723.2); short protein forms P4522S, P4527S.
Identifiers: ClinVar variation 1037107 (VCV001037107.9), dbSNP rs1049222611, ClinGen allele CA308111303.
Genomic context (GRCh38, chr19:38,567,837, plus strand): 5'-GAGAATGGGGAGAAGGAAGAAGTTCCCGAGCCCACACCAGAGCCCCCCAAGAAGCAAGCA[C>T]CTCCCTCACCCCCTCCAAAGAAGGAGGAAGCTGGAGGCGAATTCTGGGGAGAACTGGAGG-3'
Protein context (NP_000531.2, residues 4517-4537): PTPEPPKKQA[Pro4527Ser]PSPPPKKEEA